The following is an entry in ClinVar:

ClinVar aggregate classification (germline): Uncertain significance (1 of 4 stars; one submission).

Conditions:
NPHS1-related disorder. Also called: NPHS1-related condition.

gnomAD v4.1: 24 of 1,614,202 alleles (0.0015%); highest among the groups gnomAD compares: South Asian, 0.026%; no homozygotes.

Submission:

PreventionGenetics, part of Exact Sciences
Classification: Uncertain significance for NPHS1-related condition. Last evaluated: 2026-01-11. Review status: criteria provided, single submitter. Criteria: ACMG Guidelines, 2015. Collection method: clinical testing. Allele origin: germline.
Comment: The NPHS1 c.3059G>T variant is predicted to result in the amino acid substitution p.Gly1020Val. This variant has been reported in the homozygous state in an individual with infantile nephrotic syndrome (Patient NS228 in Abid et al. 2012. PubMed ID: 22565185). This variant is reported in 0.020% of alleles in individuals of South Asian descent in gnomAD. At this time, the clinical significance of this variant is uncertain due to the absence of conclusive functional and genetic evidence.

NM_004646.4(NPHS1):c.3059G>T (p.Gly1020Val)

Gene: NPHS1 (NPHS1 adhesion molecule, nephrin; minus strand). Cytogenetic location: 19q13.12.
Variant type: single nucleotide variant.
Coding change: c.3059G>T on transcript NM_004646.4 (MANE Select); coding-DNA position 3059, G replaced by T.
Protein change: p.Gly1020Val; replaces glycine 1020 with valine.
Molecular consequence: missense variant.
Genome position (GRCh38, 1-based): chr19:35,839,287, C>A on the plus strand (G>T on the coding strand, the complement: NPHS1 is on the minus strand). VCF-style: chr19-35839287-C-A. GRCh37 (hg19) VCF-style: chr19-36330189-C-A.
Other names: short protein forms G1020V.
Identifiers: ClinVar variation 4987650 (VCV004987650.1).
Genomic context (GRCh38, chr19:35,839,287, plus strand): 5'-CCCTTCCCACCTGGGGTAGTGATGGGAAGCTGGGTCCCTTTGTCAGCCAGTCCACTGTCC[C>A]CCAAGGCATTACTGGCCAGCAGCCAGACCCTGTATCTTGTAGAAGGCTGTAGACCAGTCA-3'
Protein context (NP_004637.1, residues 1010-1030): RVWLLASNAL[Gly1020Val]DSGLADKGTQ